The following is an entry in ClinVar:

ClinVar aggregate classification (germline): Uncertain significance (1 of 4 stars; one submission).

Conditions:
Hereditary cancer-predisposing syndrome. Also called: Hereditary neoplastic syndrome; Tumor predisposition; Hereditary Cancer Syndrome; Neoplastic Syndromes, Hereditary. Identifiers: Orphanet 140162, MedGen C0027672, MeSH D009386, MONDO:0015356.

Submissions (2):

Color Diagnostics, LLC DBA Color Health
Classification: Uncertain significance for Hereditary cancer-predisposing syndrome. Last evaluated: 2019-06-19. Review status: criteria provided, single submitter. Criteria: ACMG Guidelines, 2015. Collection method: clinical testing. Allele origin: germline.

Brotman Baty Institute, University of Washington
No classification provided (evidence only). Condition: Breast-ovarian cancer, familial 1. Review status: no classification provided. Collection method: in vitro. Allele origin: not applicable. Functional consequence: functionally_normal. Not counted in ClinVar's aggregate classification.
ClinVar note: "not provided" was previously submitted as the classification for the variant. However, the classification appeared to be based only on an observation of functional data so it was converted to no classification on 2025-07-30.

NM_007294.4(BRCA1):c.5447C>A (p.Thr1816Lys)

Gene: BRCA1 (BRCA1 DNA repair associated; minus strand). Cytogenetic location: 17q21.31.
Variant type: single nucleotide variant.
Coding change: c.5447C>A on transcript NM_007294.4 (MANE Select); coding-DNA position 5447, C replaced by A.
Protein change: p.Thr1816Lys; replaces threonine 1816 with lysine.
Molecular consequence: missense variant. On other transcripts: non-coding transcript variant (1).
Genome position (GRCh38, 1-based): chr17:43,047,663, G>T on the plus strand (C>A on the coding strand, the complement: BRCA1 is on the minus strand). VCF-style: chr17-43047663-G-T. GRCh37 (hg19) VCF-style: chr17-41199680-G-T.
Other names: c.5234C>A, p.Thr1745Lys (NM_001407571.1, NM_001407902.1, NM_001407904.1 and 12 more transcripts); c.5513C>A, p.Thr1838Lys (NM_001407581.1, NM_001407582.1); c.5510C>A, p.Thr1837Lys (NM_001407583.1, NM_001407585.1, NM_001407587.1 and 1 more transcripts); c.5507C>A, p.Thr1836Lys (NM_001407590.1, NM_001407591.1); c.5447C>A, p.Thr1816Lys (NM_001407593.1, NM_001407594.1, NM_001407596.1 and 5 more transcripts); c.5444C>A, p.Thr1815Lys (NM_001407610.1, NM_001407611.1, NM_001407612.1 and 14 more transcripts); c.5441C>A, p.Thr1814Lys (NM_001407630.1, NM_001407631.1, NM_001407632.1 and 13 more transcripts); c.5369C>A, p.Thr1790Lys (NM_001407652.1, NM_001407653.1, NM_001407654.1 and 1 more transcripts); and 83 more; short protein forms T1816K, T1769K, T1837K, T712K, D687E, D1743E, D1791E, T1647K.
Identifiers: ClinVar variation 631079 (VCV000631079.6), dbSNP rs1567757864, ClinGen allele CA10590507.